The following is an entry in ClinVar:

NM_014727.3(KMT2B):c.1117G>A (p.Glu373Lys)

Gene: KMT2B (lysine methyltransferase 2B; plus strand). Cytogenetic location: 19q13.12.
Variant type: single nucleotide variant.
Coding change: c.1117G>A on transcript NM_014727.3 (MANE Select); coding-DNA position 1117, G replaced by A.
Protein change: p.Glu373Lys; replaces glutamic acid 373 with lysine.
Molecular consequence: missense variant.
Genome position (GRCh38, 1-based): chr19:35,720,464, G>A. VCF-style: chr19-35720464-G-A. GRCh37 (hg19) VCF-style: chr19-36211366-G-A.
Other names: short protein forms E373K.
Identifiers: ClinVar variation 2211681 (VCV002211681.5), dbSNP rs867807136, ClinGen allele CA307782621.

ClinVar aggregate classification (germline): Uncertain significance. Review status: criteria provided, multiple submitters, no conflicts (2 of 4 stars). 2 submissions from 2 submitters: Uncertain significance (2). Last evaluated 2023-11-24.

Conditions:
Inborn genetic diseases. Identifiers: MedGen C0950123, MeSH D030342.

Allele frequency attached by ClinVar (database versions not stated): gnomAD 0.00001.
gnomAD v4.1: 13 of 1,550,428 alleles (0.00084%); highest among the groups gnomAD compares: African/African-American, 0.0042%; no homozygotes.

Submissions (2):

Labcorp Genetics (formerly Invitae), Labcorp
Classification: Uncertain significance. Last evaluated: 2023-11-24. Review status: criteria provided, single submitter. Criteria: Invitae Variant Classification Sherloc (09022015). Collection method: clinical testing. Allele origin: germline.
Comment: This sequence change replaces glutamic acid, which is acidic and polar, with lysine, which is basic and polar, at codon 373 of the KMT2B protein (p.Glu373Lys). The frequency data for this variant in the population databases is considered unreliable, as metrics indicate poor data quality at this position in the gnomAD database. This variant has not been reported in the literature in individuals affected with KMT2B-related conditions. ClinVar contains an entry for this variant (Variation ID: 2211681). Advanced modeling of protein sequence and biophysical properties (such as structural, functional, and spatial information, amino acid conservation, physicochemical variation, residue mobility, and thermodynamic stability) performed at Invitae indicates that this missense variant is not expected to disrupt KMT2B protein function with a negative predictive value of 95%. In summary, the available evidence is currently insufficient to determine the role of this variant in disease. Therefore, it has been classified as a Variant of Uncertain Significance.

Ambry Genetics
Classification: Uncertain significance for Inborn genetic diseases. Last evaluated: 2021-12-06. Review status: criteria provided, single submitter. Criteria: Ambry Variant Classification Scheme 2023. Collection method: clinical testing. Allele origin: germline.